The following is an entry in ClinVar:

ClinVar aggregate classification (germline): Uncertain significance (1 of 4 stars; one submission).

Conditions:
Inborn genetic diseases. Identifiers: MedGen C0950123, MeSH D030342.

Allele frequency attached by ClinVar (database versions not stated): 1000 Genomes Project 0.00020; 1000 Genomes Project 30x 0.00031; ExAC 0.00034; gnomAD exomes 0.00042; gnomAD 0.00023; TOPMed 0.00029; ESP Exome Variant Server 0.00046.
gnomAD v4.1: 626 of 1,600,974 alleles (0.039%); highest among the groups gnomAD compares: Non-Finnish European, 0.051%; no homozygotes.

Submission:

Ambry Genetics
Classification: Uncertain significance for Inborn genetic diseases. Last evaluated: 2026-04-16. Review status: criteria provided, single submitter. Criteria: Ambry Variant Classification Scheme 2023. Collection method: clinical testing. Allele origin: germline.
Comment: The c.1586G>A (p.R529Q) alteration is located in exon 12 (coding exon 12) of the PGM2L1 gene. This alteration results from a G to A substitution at nucleotide position 1586, causing the arginine (R) at amino acid position 529 to be replaced by a glutamine (Q). Based on data from gnomAD, the A allele has an overall frequency of 0.025% (68/274226) total alleles studied. The highest observed frequency was 0.052% (65/126292) of European (non-Finnish) alleles. Based on insufficient or conflicting evidence, the clinical significance of this alteration remains unclear.

NM_173582.6(PGM2L1):c.1586G>A (p.Arg529Gln)

Gene: PGM2L1 (phosphoglucomutase 2 like 1; minus strand). Cytogenetic location: 11q13.4.
Variant type: single nucleotide variant.
Coding change: c.1586G>A on transcript NM_173582.6 (MANE Select); coding-DNA position 1586, G replaced by A.
Protein change: p.Arg529Gln; replaces arginine 529 with glutamine.
Molecular consequence: missense variant.
Genome position (GRCh38, 1-based): chr11:74,342,507, C>T on the plus strand (G>A on the coding strand, the complement: PGM2L1 is on the minus strand). VCF-style: chr11-74342507-C-T. GRCh37 (hg19) VCF-style: chr11-74053552-C-T.
Other names: short protein forms R529Q.
Identifiers: ClinVar variation 3211855 (VCV003211855.2), dbSNP rs138854022, ClinGen allele CA6184429.
Genomic context (GRCh38, chr11:74,342,507, plus strand): 5'-AAAAAGGTACTTACTGATTTCTTATTAGGCTGGCTACTGTCATATCCAGTGGTAACGTCC[C>T]GTACATGCAATATAGCAAATGTTCCACAAAATTTTGGATATTCTTTTGGAGAATCAAAAT-3'
Protein context (NP_775853.2, residues 519-539): FCGTFAILHV[Arg529Gln]DVTTGYDSSQ